The following is an entry in ClinVar:

NM_001035.3(RYR2):c.10145C>G (p.Ala3382Gly)

Gene: RYR2 (ryanodine receptor 2; plus strand). Cytogenetic location: 1q43.
Variant type: single nucleotide variant.
Coding change: c.10145C>G on transcript NM_001035.3 (MANE Select); coding-DNA position 10145, C replaced by G.
Protein change: p.Ala3382Gly; replaces alanine 3382 with glycine.
Molecular consequence: missense variant.
Genome position (GRCh38, 1-based): chr1:237,709,482, C>G. VCF-style: chr1-237709482-C-G. GRCh37 (hg19) VCF-style: chr1-237872782-C-G.
Other names: short protein forms A3382G.
Identifiers: ClinVar variation 1516676 (VCV001516676.7), dbSNP rs1688652177, ClinGen allele CA345411574.
Genomic context (GRCh38, chr1:237,709,482, plus strand): 5'-TTTTTAAATTAACTTTAAGGAGTAGCTGAGAAACCACTTTATTTATTATGTGATCCAGGG[C>G]AAAGTGGCTAAAGGAGCCTAACCCAGAAGCAGAGGAGCTCTTCCGCATGGTGGCTGAAGT-3'
Protein context (NP_001026.2, residues 3372-3392): LLIRFVDYNR[Ala3382Gly]KWLKEPNPEA

ClinVar aggregate classification (germline): Uncertain significance (1 of 4 stars; one submission).

Conditions:
Catecholaminergic polymorphic ventricular tachycardia 1. Also called: RYR2-Related Catecholaminergic Polymorphic Ventricular Tachycardia; VENTRICULAR TACHYCARDIA, STRESS-INDUCED POLYMORPHIC 1; VENTRICULAR TACHYCARDIA, CATECHOLAMINERGIC POLYMORPHIC, 1, WITH OR WITHOUT ATRIAL DYSFUNCTION AND/OR DILATED CARDIOMYOPATHY. Identifiers: Orphanet 3286, MedGen C1631597, MONDO:0011484, OMIM 604772.

Submission:

Labcorp Genetics (formerly Invitae), Labcorp
Classification: Uncertain significance for Catecholaminergic polymorphic ventricular tachycardia 1. Last evaluated: 2021-08-31. Review status: criteria provided, single submitter. Criteria: Invitae Variant Classification Sherloc (09022015). Collection method: clinical testing. Allele origin: germline.
Comment: In summary, the available evidence is currently insufficient to determine the role of this variant in disease. Therefore, it has been classified as a Variant of Uncertain Significance. This sequence change replaces alanine with glycine at codon 3382 of the RYR2 protein (p.Ala3382Gly). The alanine residue is highly conserved and there is a small physicochemical difference between alanine and glycine. This variant is not present in population databases (ExAC no frequency). This variant has not been reported in the literature in individuals affected with RYR2-related conditions. Algorithms developed to predict the effect of missense changes on protein structure and function are either unavailable or do not agree on the potential impact of this missense change (SIFT: "Deleterious"; PolyPhen-2: "Benign"; Align-GVGD: "Class C55").